The following is an entry in ClinVar:

ClinVar aggregate classification (germline): Uncertain significance (1 of 4 stars; one submission).

Allele frequency attached by ClinVar (database versions not stated): TOPMed 0.00002; gnomAD 0.00003.

Submission:

Greenwood Genetic Center Diagnostic Laboratories, Greenwood Genetic Center
Classification: Uncertain significance. Last evaluated: 2022-08-25. Review status: criteria provided, single submitter. Criteria: ACMG Guidelines, 2015. Collection method: clinical testing. Allele origin: germline. Affected: yes.
Comment: PM2 PM3

NM_058004.4(PI4KA):c.4289-1269G>A

Gene: PI4KA (phosphatidylinositol 4-kinase alpha; minus strand). Cytogenetic location: 22q11.21.
Variant type: single nucleotide variant.
Coding change: c.4289-1269G>A on transcript NM_058004.4 (MANE Select); 1269 bases into the intron before coding-DNA position 4289, G replaced by A.
Molecular consequence: intron variant.
Genome position (GRCh38, 1-based): chr22:20,731,280, C>T on the plus strand (G>A on the coding strand, the complement: PI4KA is on the minus strand). VCF-style: chr22-20731280-C-T. GRCh37 (hg19) VCF-style: chr22-21085568-C-T.
Other names: c.4223-1269G>A (NM_001362863.2); c.4196-1269G>A (NM_001362862.2).
Identifiers: ClinVar variation 1710376 (VCV001710376.3), dbSNP rs868543368, ClinGen allele CA322228687.